The following is an entry in ClinVar:

NM_020719.3(PRR12):c.1222C>A (p.Pro408Thr)

Gene: PRR12 (proline rich 12; plus strand). Cytogenetic location: 19q13.33.
Variant type: single nucleotide variant.
Coding change: c.1222C>A on transcript NM_020719.3 (MANE Select); coding-DNA position 1222, C replaced by A.
Protein change: p.Pro408Thr; replaces proline 408 with threonine.
Molecular consequence: missense variant.
Genome position (GRCh38, 1-based): chr19:49,595,557, C>A. VCF-style: chr19-49595557-C-A. GRCh37 (hg19) VCF-style: chr19-50098814-C-A.
Other names: short protein forms P408T.
Identifiers: ClinVar variation 4685335 (VCV004685335.1).

ClinVar aggregate classification (germline): Uncertain significance (1 of 4 stars; one submission).

Submission:

GeneDx
Classification: Uncertain significance. Last evaluated: 2025-07-09. Review status: criteria provided, single submitter. Criteria: GeneDx Variant Classification Process June 2021. Collection method: clinical testing. Allele origin: germline. Affected: yes.
Comment: Not observed at significant frequency in large population cohorts (gnomAD); In silico analysis suggests that this missense variant does not alter protein structure/function; Has not been previously published as pathogenic or benign to our knowledge